The following is an entry in ClinVar:

ClinVar aggregate classification (germline): Uncertain significance (1 of 4 stars; one submission).

Submission:

CeGaT Center for Human Genetics Tuebingen
Classification: Uncertain significance. Last evaluated: 2023-04-01. Review status: criteria provided, single submitter. Criteria: CeGaT Center For Human Genetics Tuebingen Variant Classification Criteria Version 2. Collection method: clinical testing. Allele origin: germline. Affected: yes. Observed: 1 variant allele.
Comment: SCN3A: PM2, PP2

NM_006922.4(SCN3A):c.62C>A (p.Ser21Tyr)

Gene: SCN3A (sodium voltage-gated channel alpha subunit 3; minus strand). Cytogenetic location: 2q24.3.
Variant type: single nucleotide variant.
Coding change: c.62C>A on transcript NM_006922.4 (MANE Select); coding-DNA position 62, C replaced by A.
Protein change: p.Ser21Tyr; replaces serine 21 with tyrosine.
Molecular consequence: missense variant.
Genome position (GRCh38, 1-based): chr2:165,176,333, G>T on the plus strand (C>A on the coding strand, the complement: SCN3A is on the minus strand). VCF-style: chr2-165176333-G-T. GRCh37 (hg19) VCF-style: chr2-166032843-G-T.
Other names: c.62C>A, p.Ser21Tyr (NM_001081676.2, NM_001081677.2); short protein forms S21Y.
Identifiers: ClinVar variation 2571093 (VCV002571093.27), dbSNP rs2468566480, ClinGen allele CA349241155.